The following is an entry in ClinVar:

ClinVar aggregate classification (germline): Uncertain significance (1 of 4 stars; one submission).

Conditions:
Charcot-Marie-Tooth disease type 4. Also called: Charcot-Marie-Tooth disease, type IV; Charcot-Marie-Tooth, Type 4. Identifiers: Orphanet 64749, MedGen C4082197, MONDO:0018995.

Submission:

Labcorp Genetics (formerly Invitae), Labcorp
Classification: Uncertain significance for Charcot-Marie-Tooth disease type 4. Last evaluated: 2022-05-29. Review status: criteria provided, single submitter. Criteria: Invitae Variant Classification Sherloc (09022015). Collection method: clinical testing. Allele origin: germline.
Comment: This sequence change replaces tryptophan, which is neutral and slightly polar, with glycine, which is neutral and non-polar, at codon 804 of the SH3TC2 protein (p.Trp804Gly). This variant is not present in population databases (gnomAD no frequency). This variant has not been reported in the literature in individuals affected with SH3TC2-related conditions. Algorithms developed to predict the effect of missense changes on protein structure and function (SIFT, PolyPhen-2, Align-GVGD) all suggest that this variant is likely to be disruptive. In summary, the available evidence is currently insufficient to determine the role of this variant in disease. Therefore, it has been classified as a Variant of Uncertain Significance.

NM_024577.4(SH3TC2):c.2410T>G (p.Trp804Gly)

Gene: SH3TC2 (SH3 domain and tetratricopeptide repeats 2; minus strand). Cytogenetic location: 5q32.
Variant type: single nucleotide variant.
Coding change: c.2410T>G on transcript NM_024577.4 (MANE Select); coding-DNA position 2410, T replaced by G.
Protein change: p.Trp804Gly; replaces tryptophan 804 with glycine.
Molecular consequence: missense variant.
Genome position (GRCh38, 1-based): chr5:149,027,322, A>C on the plus strand (T>G on the coding strand, the complement: SH3TC2 is on the minus strand). VCF-style: chr5-149027322-A-C. GRCh37 (hg19) VCF-style: chr5-148406885-A-C.
Other names: short protein forms W804G.
Identifiers: ClinVar variation 1930786 (VCV001930786.5), dbSNP rs2531771912, ClinGen allele CA361666426.